The following is an entry in ClinVar:

NM_001367561.1(DOCK7):c.2501G>C (p.Gly834Ala)

Gene: DOCK7 (dedicator of cytokinesis 7; minus strand). Cytogenetic location: 1p31.3.
Variant type: single nucleotide variant.
Coding change: c.2501G>C on transcript NM_001367561.1 (MANE Select); coding-DNA position 2501, G replaced by C.
Protein change: p.Gly834Ala; replaces glycine 834 with alanine.
Molecular consequence: missense variant.
Genome position (GRCh38, 1-based): chr1:62,555,920, C>G on the plus strand (G>C on the coding strand, the complement: DOCK7 is on the minus strand). VCF-style: chr1-62555920-C-G. GRCh37 (hg19) VCF-style: chr1-63021591-C-G.
Other names: c.2501G>C, p.Gly834Ala (NM_001271999.2, NM_001272000.2, NM_001272001.2 and 2 more transcripts); c.2501G>C (NM_033407.2); short protein forms G834A.
Identifiers: ClinVar variation 951894 (VCV000951894.6), dbSNP rs1283168919, ClinGen allele CA340623485.
Genomic context (GRCh38, chr1:62,555,920, plus strand): 5'-CGGAAAACATAATGAATATATGATGCAAGAAGGCTGTTTCTGCCATGCTGGTCATGATTT[C>G]CTTCCAAGTTTTTGTGAAGTCGATTTATAATTGATGCCATGGCTTCAAAAGATGCTTGAC-3'
Protein context (NP_001354490.1, residues 824-844): IINRLHKNLE[Gly834Ala]NHDQHGRNSL

ClinVar aggregate classification (germline): Uncertain significance. Review status: criteria provided, multiple submitters, no conflicts (2 of 4 stars). 2 submissions from 2 submitters: Uncertain significance (2). Last evaluated 2025-08-06.

Conditions:
Inborn genetic diseases. Identifiers: MedGen C0950123, MeSH D030342.
Developmental and epileptic encephalopathy, 23 (DEE23). Also called: Epileptic encephalopathy, early infantile, 23. Identifiers: Orphanet 411986, MedGen C4014492, MONDO:0014371, OMIM 615859.

Allele frequency attached by ClinVar (database versions not stated): gnomAD 0.00001; TOPMed 0.00002.
gnomAD v4.1: 5 of 1,613,754 alleles (0.00031%); highest among the groups gnomAD compares: Admixed American, 0.0083%; no homozygotes.

Submissions (2):

Ambry Genetics
Classification: Uncertain significance for Inborn genetic diseases. Last evaluated: 2025-08-06. Review status: criteria provided, single submitter. Criteria: Ambry Variant Classification Scheme 2023. Collection method: clinical testing. Allele origin: germline.

Labcorp Genetics (formerly Invitae), Labcorp
Classification: Uncertain significance for Developmental and epileptic encephalopathy, 23. Last evaluated: 2022-07-26. Review status: criteria provided, single submitter. Criteria: Invitae Variant Classification Sherloc (09022015). Collection method: clinical testing. Allele origin: germline.
Comment: This sequence change replaces glycine, which is neutral and non-polar, with alanine, which is neutral and non-polar, at codon 834 of the DOCK7 protein (p.Gly834Ala). This variant is not present in population databases (gnomAD no frequency). This variant has not been reported in the literature in individuals affected with DOCK7-related conditions. ClinVar contains an entry for this variant (Variation ID: 951894). Algorithms developed to predict the effect of missense changes on protein structure and function (SIFT, PolyPhen-2, Align-GVGD) all suggest that this variant is likely to be tolerated. In summary, the available evidence is currently insufficient to determine the role of this variant in disease. Therefore, it has been classified as a Variant of Uncertain Significance.